The following is an entry in ClinVar:

ClinVar aggregate classification (germline): Uncertain significance (1 of 4 stars; one submission).

Submission:

GeneDx
Classification: Uncertain significance. Last evaluated: 2023-06-12. Review status: criteria provided, single submitter. Criteria: GeneDx Variant Classification Process June 2021. Collection method: clinical testing. Allele origin: germline. Affected: yes.
Comment: Not observed at significant frequency in large population cohorts (gnomAD); In silico analysis supports that this missense variant does not alter protein structure/function; Has not been previously published as pathogenic or benign to our knowledge

NM_020791.4(TAOK1):c.2689C>T (p.Pro897Ser)

Gene: TAOK1 (TAO kinase 1; plus strand). Cytogenetic location: 17q11.2.
Variant type: single nucleotide variant.
Coding change: c.2689C>T on transcript NM_020791.4 (MANE Select); coding-DNA position 2689, C replaced by T.
Protein change: p.Pro897Ser; replaces proline 897 with serine.
Molecular consequence: missense variant.
Genome position (GRCh38, 1-based): chr17:29,542,705, C>T. VCF-style: chr17-29542705-C-T. GRCh37 (hg19) VCF-style: chr17-27869723-C-T.
Other names: c.2245C>T, p.Pro749Ser (NM_025142.1); short protein forms P749S, P897S.
Identifiers: ClinVar variation 3359896 (VCV003359896.1).
Genomic context (GRCh38, chr17:29,542,705, plus strand): 5'-GCTTTTGACTCTGAAAGCATGAGACTAGGTTTTAGTAATATGGTCCTTTCTAATCTCTCC[C>T]CTGAGGCATTCAGCCACAGCTACCCGGGAGCTTCTGGTTGGTCACACAACCCTACTGGGG-3'
Protein context (NP_065842.1, residues 887-907): FSNMVLSNLS[Pro897Ser]EAFSHSYPGA